The following is an entry in ClinVar:

NM_021930.6(RINT1):c.2219A>T (p.Asn740Ile)

Genes: EFCAB10 (EF-hand calcium binding domain 10; minus strand), RINT1 (RAD50 interactor 1; plus strand). Cytogenetic location: 7q22.3.
Variant type: single nucleotide variant.
Coding change: c.2219A>T on transcript NM_021930.6 (MANE Select); coding-DNA position 2219, A replaced by T.
Protein change: p.Asn740Ile; replaces asparagine 740 with isoleucine.
Molecular consequence: missense variant. On other transcripts: 3 prime UTR variant (2), non-coding transcript variant (1), intron variant (3).
Genome position (GRCh38, 1-based): chr7:105,567,151, A>T. VCF-style: chr7-105567151-A-T. GRCh37 (hg19) VCF-style: chr7-105207598-A-T.
Other names: c.*303T>A (NM_001355527.2, NM_001355529.2); c.1985A>T, p.Asn662Ile (NM_001346599.2); c.1196A>T, p.Asn399Ile (NM_001346600.2, NM_001346603.2); c.1295A>T, p.Asn432Ile (NM_001346601.2); c.360-1704T>A (NM_001355531.2); c.383+316T>A (NM_001355526.2, NM_001355530.2); short protein forms N399I, N740I, N432I, N662I.
Identifiers: ClinVar variation 643445 (VCV000643445.13), dbSNP rs1586278310, ClinGen allele CA368815424.

ClinVar aggregate classification (germline): Uncertain significance. Review status: criteria provided, multiple submitters, no conflicts (2 of 4 stars). 2 submissions from 2 submitters: Uncertain significance (2). Last evaluated 2025-07-31.

Allele frequency attached by ClinVar (database versions not stated): gnomAD exomes below 0.00001; TOPMed below 0.00001; gnomAD 0.00001.
gnomAD v4.1: 5 of 1,582,804 alleles (0.00032%); highest among the groups gnomAD compares: Non-Finnish European, 0.00043%; no homozygotes.

Submissions (2):

Ambry Genetics
Classification: Uncertain significance. Last evaluated: 2025-07-31. Review status: criteria provided, single submitter. Criteria: Ambry Variant Classification Scheme 2023. Collection method: clinical testing. Allele origin: germline.

Labcorp Genetics (formerly Invitae), Labcorp
Classification: Uncertain significance. Last evaluated: 2022-08-05. Review status: criteria provided, single submitter. Criteria: Invitae Variant Classification Sherloc (09022015). Collection method: clinical testing. Allele origin: germline.
Comment: This variant is not present in population databases (gnomAD no frequency). In summary, the available evidence is currently insufficient to determine the role of this variant in disease. Therefore, it has been classified as a Variant of Uncertain Significance. Algorithms developed to predict the effect of missense changes on protein structure and function are either unavailable or do not agree on the potential impact of this missense change (SIFT: "Deleterious"; PolyPhen-2: "Possibly Damaging"; Align-GVGD: "Class C0"). ClinVar contains an entry for this variant (Variation ID: 643445). This variant has not been reported in the literature in individuals affected with RINT1-related conditions. This sequence change replaces asparagine, which is neutral and polar, with isoleucine, which is neutral and non-polar, at codon 740 of the RINT1 protein (p.Asn740Ile).